The following is an entry in ClinVar:

NM_001206999.2(CIT):c.4898G>A (p.Arg1633His)

Gene: CIT (citron rho-interacting serine/threonine kinase; minus strand). Cytogenetic location: 12q24.23.
Variant type: single nucleotide variant.
Coding change: c.4898G>A on transcript NM_001206999.2 (MANE Select); coding-DNA position 4898, G replaced by A.
Protein change: p.Arg1633His; replaces arginine 1633 with histidine.
Molecular consequence: missense variant.
Genome position (GRCh38, 1-based): chr12:119,710,577, C>T on the plus strand (G>A on the coding strand, the complement: CIT is on the minus strand). VCF-style: chr12-119710577-C-T. GRCh37 (hg19) VCF-style: chr12-120148382-C-T.
Other names: c.4772G>A, p.Arg1591His (NM_007174.3); short protein forms R1633H, R1591H.
Identifiers: ClinVar variation 1030302 (VCV001030302.1), dbSNP rs774006998, ClinGen allele CA6821059.

ClinVar aggregate classification (germline): Uncertain significance (1 of 4 stars; one submission).

Conditions:
Microcephaly 17, primary, autosomal recessive (MCPH17). Identifiers: Orphanet 2512, MedGen C4310723, MONDO:0014908, OMIM 617090.

Allele frequency attached by ClinVar (database versions not stated): gnomAD 0.00001 and 0.00002; gnomAD exomes 0.00001; ExAC 0.00002; TOPMed 0.00003.
gnomAD v4.1: 16 of 1,614,086 alleles (0.00099%); highest among the groups gnomAD compares: East Asian, 0.0045%; no homozygotes.

Submission:

Baylor Genetics
Classification: Uncertain significance for Microcephaly 17, primary, autosomal recessive. Last evaluated: 2019-09-06. Review status: criteria provided, single submitter. Criteria: ACMG Guidelines, 2015. Collection method: clinical testing. Allele origin: unknown. Affected: yes.
Comment: This variant was determined to be of uncertain significance according to ACMG Guidelines, 2015 [PMID:25741868].